The following is an entry in ClinVar:

NM_032930.3(CFAP300):c.487A>T (p.Arg163Ter)

Gene: CFAP300 (cilia and flagella associated protein 300; plus strand). Cytogenetic location: 11q22.1.
Variant type: single nucleotide variant.
Coding change: c.487A>T on transcript NM_032930.3 (MANE Select); coding-DNA position 487, A replaced by T.
Protein change: p.Arg163Ter; replaces arginine 163 with a stop codon.
Molecular consequence: nonsense. On other transcripts: 3 prime UTR variant (1).
Genome position (GRCh38, 1-based): chr11:102,075,924, A>T. VCF-style: chr11-102075924-A-T. GRCh37 (hg19) VCF-style: chr11-101946655-A-T.
Other names: c.*20A>T (NM_001195005.2); c.487A>T, p.Arg163Ter (NM_001363505.2); short protein forms R163*.
Identifiers: ClinVar variation 3620171 (VCV003620171.2).
Genomic context (GRCh38, chr11:102,075,924, plus strand): 5'-TCGTCTTAGGTTTTGCTAGTGGAAGACTCAGAAAAATATGAAATATTCAGCCAACCAGAT[A>T]GAGAAGAGTTCCTGTTTTGTCTTTTCAAACATCTTTGCCTTGGTGGAGCCCTTTGTCAAT-3'

ClinVar aggregate classification (germline): Pathogenic (1 of 4 stars; one submission).

gnomAD v4.1: 7 of 1,613,674 alleles (0.00043%); highest among the groups gnomAD compares: African/African-American, 0.0093%; no homozygotes.

Submission:

Labcorp Genetics (formerly Invitae), Labcorp
Classification: Pathogenic. Last evaluated: 2025-07-30. Review status: criteria provided, single submitter. Criteria: Invitae Variant Classification Sherloc (09022015). Collection method: clinical testing. Allele origin: germline.
Comment: This sequence change creates a premature translational stop signal (p.Arg163*) in the C11orf70 gene. It is expected to result in an absent or disrupted protein product. Loss-of-function variants in C11orf70 are known to be pathogenic (PMID: 29727692, 29727693). This variant is present in population databases (rs777707051, gnomAD 0.01%). This variant has not been reported in the literature in individuals affected with C11orf70-related conditions. ClinVar contains an entry for this variant (Variation ID: 3620171). For these reasons, this variant has been classified as Pathogenic.

Literature cited by the submitters: PubMed 29727692; PubMed 29727693.